The following is an entry in ClinVar:

ClinVar aggregate classification (germline): Uncertain significance (1 of 4 stars; one submission).

Conditions:
Nephrotic syndrome, type 12 (NPHS12). Identifiers: Orphanet 656, MedGen C4225166, MONDO:0014817, OMIM 616892.

Allele frequency attached by ClinVar (database versions not stated): gnomAD 0.00001; gnomAD exomes 0.00001; TOPMed 0.00001; ESP Exome Variant Server 0.00008.
gnomAD v4.1: 7 of 1,614,100 alleles (0.00043%); highest among the groups gnomAD compares: Non-Finnish European, 0.00059%; no homozygotes.

Submission:

MVZ Medizinische Genetik Mainz
Classification: Uncertain significance for Nephrotic syndrome, type 12. Last evaluated: 2021-07-20. Review status: criteria provided, single submitter. Criteria: UK Practice Guidelines For Variant Classification V4 01 2020. Collection method: clinical testing. Allele origin: germline. Inheritance: Autosomal recessive inheritance. Affected: yes. Observed: 1 variant allele.
Comment: ACMG Criteria: PM2_SUP, PP3, PP4 (+ PM3 - PP3 postSEG); Compound Heterozygote

NM_014669.5(NUP93):c.2065T>A (p.Phe689Ile)

Gene: NUP93 (nucleoporin 93; plus strand). Cytogenetic location: 16q13.
Variant type: single nucleotide variant.
Coding change: c.2065T>A on transcript NM_014669.5 (MANE Select); coding-DNA position 2065, T replaced by A.
Protein change: p.Phe689Ile; replaces phenylalanine 689 with isoleucine.
Molecular consequence: missense variant.
Genome position (GRCh38, 1-based): chr16:56,838,998, T>A. VCF-style: chr16-56838998-T-A. GRCh37 (hg19) VCF-style: chr16-56872910-T-A.
Other names: c.1696T>A, p.Phe566Ile (NM_001242795.2, NM_001242796.2); short protein forms F566I, F689I.
Identifiers: ClinVar variation 3234055 (VCV003234055.1), dbSNP rs142068906, ClinGen allele CA281503172.